The following is an entry in ClinVar:

ClinVar aggregate classification (germline): Uncertain significance (1 of 4 stars; one submission).

Conditions:
Proximal 16p11.2 microdeletion syndrome. Also called: 16p11.2 Recurrent Deletion; CHROMOSOME 16p11.2 DELETION SYNDROME, 593-KB; Chromosome 16p11.2 deletion syndrome. Identifiers: Orphanet 261197, MedGen C3150154, MONDO:0012756, OMIM 611913.

Submission:

Seattle Children's Hospital Molecular Genetics Laboratory, Seattle Children's Hospital
Classification: Uncertain significance for Proximal 16p11.2 microdeletion syndrome. Last evaluated: 2020-01-08. Review status: criteria provided, single submitter. Criteria: ACMG Guidelines, 2015. Collection method: clinical testing. Allele origin: germline. Affected: yes.
Comment: This variant is currently absent from large population controls, patient databases, and the medical literature (Genome Aggregation Database [GnomAD], ClinVar, HGMD). The c.292G>A change is in the last nucleotide (3' end) of exon 4 (NM_005411.4, total 6 exons). It is predicted to substitute the glycine at position 98 with arginine within the collagen-like domain of the protein. Its possible impact on splicing is unknown. In silico splice site prediction tools predict this change will affect splicing, but there is currently no functional data to support these predictions (Human Splicing Finder, Transcript Inferred Pathogenicity Score). This nucleotide position is semi-conserved across species (GERP 2.73) and the p.Gly98Arg change is predicted to be damaging by multiple in silico missense prediction tools (MutationTaster, MutationAssessor, FATHMM, SIFT). There is emerging evidence to support SFTPA1 pathogenic variantsas a rare cause of familial idiopathic pulmonary fibrosis and idiopathic interstitial pneumonia (PMID: 30854216, 26792177, 29977744, 31601679). All pathogenic sequencing variants reported to date have been missense changes. Both autosomal dominant with incomplete penetrance and recessive inheritance models have been proposed.

NM_005411.5(SFTPA1):c.292G>A (p.Gly98Arg)

Gene: SFTPA1 (surfactant protein A1; plus strand). Cytogenetic location: 10q22.3.
Variant type: single nucleotide variant.
Coding change: c.292G>A on transcript NM_005411.5 (MANE Select); coding-DNA position 292, G replaced by A.
Protein change: p.Gly98Arg; replaces glycine 98 with arginine.
Molecular consequence: missense variant.
Genome position (GRCh38, 1-based): chr10:79,612,431, G>A. VCF-style: chr10-79612431-G-A. GRCh37 (hg19) VCF-style: chr10-81372187-G-A.
Other names: c.337G>A, p.Gly113Arg (NM_001093770.3); c.292G>A, p.Gly98Arg (NM_001164644.2, NM_001164647.1); c.190G>A, p.Gly64Arg (NM_001164645.2); c.145G>A, p.Gly49Arg (NM_001164646.2); short protein forms G113R, G49R, G64R, G98R.
Identifiers: ClinVar variation 1691337 (VCV001691337.2), dbSNP rs1589239722, ClinGen allele CA377355665.